The following is an entry in ClinVar:

NM_000875.5(IGF1R):c.2524C>T (p.Pro842Ser)

Gene: IGF1R (insulin like growth factor 1 receptor; plus strand). Cytogenetic location: 15q26.3.
Variant type: single nucleotide variant.
Coding change: c.2524C>T on transcript NM_000875.5 (MANE Select); coding-DNA position 2524, C replaced by T.
Protein change: p.Pro842Ser; replaces proline 842 with serine.
Molecular consequence: missense variant.
Genome position (GRCh38, 1-based): chr15:98,923,914, C>T. VCF-style: chr15-98923914-C-T. GRCh37 (hg19) VCF-style: chr15-99467143-C-T.
Other names: c.2524C>T, p.Pro842Ser (NM_001291858.2); short protein forms P842S.
Identifiers: ClinVar variation 2072864 (VCV002072864.5), dbSNP rs369599027, ClinGen allele CA7752422.

ClinVar aggregate classification (germline): Uncertain significance. Review status: criteria provided, multiple submitters, no conflicts (2 of 4 stars). 2 submissions from 2 submitters: Uncertain significance (2). Last evaluated 2026-01-13.

Allele frequency attached by ClinVar (database versions not stated): gnomAD exomes 0.00001; ExAC 0.00005; gnomAD 0.00005; TOPMed 0.00009.
gnomAD v4.1: 66 of 1,612,516 alleles (0.0041%); highest among the groups gnomAD compares: East Asian, 0.033%; no homozygotes.

Submissions (2):

Labcorp Genetics (formerly Invitae), Labcorp
Classification: Uncertain significance. Last evaluated: 2026-01-13. Review status: criteria provided, single submitter. Criteria: Invitae Variant Classification Sherloc (09022015). Collection method: clinical testing. Allele origin: germline.
Comment: This sequence change replaces proline, which is neutral and non-polar, with serine, which is neutral and polar, at codon 842 of the IGF1R protein (p.Pro842Ser). This variant is present in population databases (rs369599027, gnomAD 0.08%). This variant has not been reported in the literature in individuals affected with IGF1R-related conditions. ClinVar contains an entry for this variant (Variation ID: 2072864). Invitae Evidence Modeling of protein sequence and biophysical properties (such as structural, functional, and spatial information, amino acid conservation, physicochemical variation, residue mobility, and thermodynamic stability) indicates that this missense variant is not expected to disrupt IGF1R protein function with a negative predictive value of 80%. In summary, the available evidence is currently insufficient to determine the role of this variant in disease. Therefore, it has been classified as a Variant of Uncertain Significance.

Women's Health and Genetics/Laboratory Corporation of America, LabCorp
Classification: Uncertain significance. Last evaluated: 2025-12-01. Review status: criteria provided, single submitter. Criteria: LabCorp Variant Classification Summary - May 2015. Collection method: clinical testing. Allele origin: germline.
Comment: Variant summary: IGF1R c.2524C>T (p.Pro842Ser) results in a non-conservative amino acid change in the encoded protein sequence. Algorithms developed to predict the effect of missense changes on protein structure and function are either unavailable or do not agree on the potential impact of this missense change. The variant allele was found at a frequency of 6e-05 in 251492 control chromosomes. This frequency is not significantly higher than estimated for disease-causing variants in IGF1R, allowing no conclusion about variant significance. To our knowledge, no occurrence of c.2524C>T in individuals affected with IGF1R-related conditions and no experimental evidence demonstrating its impact on protein function have been reported. ClinVar contains an entry for this variant (Variation ID: 2072864). Based on the evidence outlined above, the variant was classified as uncertain significance.